The following is an entry in ClinVar:

NM_015662.3(IFT172):c.1666G>A (p.Glu556Lys)

Gene: IFT172 (intraflagellar transport 172; minus strand). Cytogenetic location: 2p23.3.
Variant type: single nucleotide variant.
Coding change: c.1666G>A on transcript NM_015662.3 (MANE Select); coding-DNA position 1666, G replaced by A.
Protein change: p.Glu556Lys; replaces glutamic acid 556 with lysine.
Molecular consequence: missense variant.
Genome position (GRCh38, 1-based): chr2:27,470,954, C>T on the plus strand (G>A on the coding strand, the complement: IFT172 is on the minus strand). VCF-style: chr2-27470954-C-T. GRCh37 (hg19) VCF-style: chr2-27693821-C-T.
Other names: c.1600G>A, p.Glu534Lys (NM_001410739.1); short protein forms E534K, E556K.
Identifiers: ClinVar variation 2114834 (VCV002114834.4), dbSNP rs2465943272, ClinGen allele CA346389578.

ClinVar aggregate classification (germline): Uncertain significance (1 of 4 stars; one submission).

Conditions:
Short-rib thoracic dysplasia 10 with or without polydactyly (SRTD10). Identifiers: Orphanet 474, MedGen C3810175, MONDO:0014284, OMIM 615630.
Retinitis pigmentosa 71 (RP71). Identifiers: Orphanet 791, MedGen C4225342, MONDO:0014618, OMIM 616394.

Allele frequency attached by ClinVar (database versions not stated): gnomAD exomes below 0.00001.
gnomAD v4.1: 4 of 1,608,994 alleles (0.00025%); highest among the groups gnomAD compares: Non-Finnish European, 0.00034%; no homozygotes.

Submission:

Labcorp Genetics (formerly Invitae), Labcorp
Classification: Uncertain significance for Retinitis pigmentosa 71; Short-rib thoracic dysplasia 10 with or without polydactyly. Last evaluated: 2022-07-15. Review status: criteria provided, single submitter. Criteria: Invitae Variant Classification Sherloc (09022015). Collection method: clinical testing. Allele origin: germline.
Comment: In summary, the available evidence is currently insufficient to determine the role of this variant in disease. Therefore, it has been classified as a Variant of Uncertain Significance. Algorithms developed to predict the effect of missense changes on protein structure and function are either unavailable or do not agree on the potential impact of this missense change (SIFT: "Deleterious"; PolyPhen-2: "Probably Damaging"; Align-GVGD: "Class C0"). This variant has not been reported in the literature in individuals affected with IFT172-related conditions. This variant is not present in population databases (gnomAD no frequency). This sequence change replaces glutamic acid, which is acidic and polar, with lysine, which is basic and polar, at codon 556 of the IFT172 protein (p.Glu556Lys).